The following is an entry in ClinVar:

ClinVar aggregate classification (germline): Uncertain significance (1 of 4 stars; one submission).

gnomAD v4.1: 1 of 1,613,962 alleles (0.000062%); highest among the groups gnomAD compares: Non-Finnish European, 0.000085%; no homozygotes.

Submission:

Labcorp Genetics (formerly Invitae), Labcorp
Classification: Uncertain significance. Last evaluated: 2022-08-31. Review status: criteria provided, single submitter. Criteria: Invitae Variant Classification Sherloc (09022015). Collection method: clinical testing. Allele origin: germline.
Comment: In summary, the available evidence is currently insufficient to determine the role of this variant in disease. Therefore, it has been classified as a Variant of Uncertain Significance. Advanced modeling of protein sequence and biophysical properties (such as structural, functional, and spatial information, amino acid conservation, physicochemical variation, residue mobility, and thermodynamic stability) performed at Invitae indicates that this missense variant is expected to disrupt ASNS protein function. This variant has not been reported in the literature in individuals affected with ASNS-related conditions. This variant is not present in population databases (gnomAD no frequency). This sequence change replaces glycine, which is neutral and non-polar, with glutamic acid, which is acidic and polar, at codon 109 of the ASNS protein (p.Gly109Glu).

NM_001673.5(ASNS):c.326G>A (p.Gly109Glu)

Genes: ASNS (asparagine synthetase (glutamine-hydrolyzing); minus strand), CZ1P-ASNS (CZ1P-ASNS readthrough; minus strand). Cytogenetic location: 7q21.3.
Variant type: single nucleotide variant.
Coding change: c.326G>A on transcript NM_001673.5 (MANE Select); coding-DNA position 326, G replaced by A.
Protein change: p.Gly109Glu; replaces glycine 109 with glutamic acid.
Molecular consequence: missense variant. On other transcripts: non-coding transcript variant (1).
Genome position (GRCh38, 1-based): chr7:97,864,420, C>T on the plus strand (G>A on the coding strand, the complement: ASNS is on the minus strand). VCF-style: chr7-97864420-C-T. GRCh37 (hg19) VCF-style: chr7-97493732-C-T.
Other names: c.263G>A, p.Gly88Glu (NM_001178075.2); c.77G>A, p.Gly26Glu (NM_001178076.2, NM_001178077.1); c.326G>A, p.Gly109Glu (NM_001352496.2, NM_133436.3, NM_183356.4); short protein forms G88E, G26E, G109E.
Identifiers: ClinVar variation 1977284 (VCV001977284.5), dbSNP rs1296225921, ClinGen allele CA368271693.
Genomic context (GRCh38, chr7:97,864,420, plus strand): 5'-GCAGTATCCAGTAAAACAAATGCAAACACACCATCCAACATACAAATTGTTTGCTCAATT[C>T]CTCCTTTGTCATAAAGATGAAGGATTATCTCACCATCCACTTTGGTCTGGTATTCAAATT-3'
Protein context (NP_001664.3, residues 99-119): EIILHLYDKG[Gly109Glu]IEQTICMLDG